The following is an entry in ClinVar:

ClinVar aggregate classification (germline): Uncertain significance (1 of 4 stars; one submission).

Submission:

Labcorp Genetics (formerly Invitae), Labcorp
Classification: Uncertain significance. Last evaluated: 2025-08-03. Review status: criteria provided, single submitter. Criteria: Invitae Variant Classification Sherloc (09022015). Collection method: clinical testing. Allele origin: germline.
Comment: This sequence change replaces leucine, which is neutral and non-polar, with valine, which is neutral and non-polar, at codon 11 of the MBD4 protein (p.Leu11Val). This variant is not present in population databases (gnomAD no frequency). This variant has not been reported in the literature in individuals affected with MBD4-related conditions. An algorithm developed to predict the effect of missense changes on protein structure and function outputs the following: PolyPhen-2: "Benign". The valine amino acid residue is found in multiple mammalian species, which suggests that this missense change does not adversely affect protein function. In summary, the available evidence is currently insufficient to determine the role of this variant in disease. Therefore, it has been classified as a Variant of Uncertain Significance.

NM_001276270.2(MBD4):c.31C>G (p.Leu11Val)

Genes: MBD4 (methyl-CpG binding domain 4, DNA glycosylase; minus strand), LOC129937550 (ATAC-STARR-seq lymphoblastoid active region 20512; plus strand). Cytogenetic location: 3q21.3.
Variant type: single nucleotide variant.
Coding change: c.31C>G on transcript NM_001276270.2 (MANE Select); coding-DNA position 31, C replaced by G.
Protein change: p.Leu11Val; replaces leucine 11 with valine.
Molecular consequence: missense variant.
Genome position (GRCh38, 1-based): chr3:129,439,803, G>C on the plus strand (C>G on the coding strand, the complement: MBD4 is on the minus strand). VCF-style: chr3-129439803-G-C. GRCh37 (hg19) VCF-style: chr3-129158646-G-C.
Other names: c.31C>G, p.Leu11Val (NM_001276271.2, NM_001276272.2, NM_001276273.2 and 1 more transcripts); short protein forms L11V.
Identifiers: ClinVar variation 4780584 (VCV004780584.1).
Genomic context (GRCh38, chr3:129,439,803, plus strand): 5'-GCGGGTCTGGGACTAGGCGCTCACTAGAGGTGACGGTGGGGGCAGCTCCGCGGTCCCCCA[G>C]ACTCAGACTCTCCAGCCCAGTCGTGCCCATCGAGCAGGGTCCGGCTGCAGCAACGAGCCC-3'
Protein context (NP_001263199.1, residues 1-21): MGTTGLESLS[Leu11Val]GDRGAAPTVT